The following is an entry in ClinVar:

NM_005458.8(GABBR2):c.2807T>C (p.Val936Ala)

Gene: GABBR2 (gamma-aminobutyric acid type B receptor subunit 2; minus strand). Cytogenetic location: 9q22.33.
Variant type: single nucleotide variant.
Coding change: c.2807T>C on transcript NM_005458.8 (MANE Select); coding-DNA position 2807, T replaced by C.
Protein change: p.Val936Ala; replaces valine 936 with alanine.
Molecular consequence: missense variant.
Genome position (GRCh38, 1-based): chr9:98,290,603, A>G on the plus strand (T>C on the coding strand, the complement: GABBR2 is on the minus strand). VCF-style: chr9-98290603-A-G. GRCh37 (hg19) VCF-style: chr9-101052885-A-G.
Other names: short protein forms V936A.
Identifiers: ClinVar variation 4725499 (VCV004725499.1).
Genomic context (GRCh38, chr9:98,290,603, plus strand): 5'-GTTCTGTCACGGGGGAGGCCCCGGGCCCAGGCCTCCCACCCTTACAGGCCCGAGACCATG[A>G]CTCGGAAGGAGGGTGGCACATGTCTGTGGCGGGGGCTGGCGGTGGGGCTGACGCAGGGGC-3'
Protein context (NP_005449.5, residues 926-941): RHRHVPPSFR[Val936Ala]MVSGL

ClinVar aggregate classification (germline): Uncertain significance (1 of 4 stars; one submission).

Conditions:
Epileptic encephalopathy. Identifiers: MedGen C0543888, HP:0200134.

Submission:

Labcorp Genetics (formerly Invitae), Labcorp
Classification: Uncertain significance for Epileptic encephalopathy. Last evaluated: 2025-08-15. Review status: criteria provided, single submitter. Criteria: Invitae Variant Classification Sherloc (09022015). Collection method: clinical testing. Allele origin: germline.
Comment: This sequence change replaces valine, which is neutral and non-polar, with alanine, which is neutral and non-polar, at codon 936 of the GABBR2 protein (p.Val936Ala). This variant is not present in population databases (gnomAD no frequency). This variant has not been reported in the literature in individuals affected with GABBR2-related conditions. An algorithm developed to predict the effect of missense changes on protein structure and function (PolyPhen-2) suggests that this variant is likely to be disruptive. In summary, the available evidence is currently insufficient to determine the role of this variant in disease. Therefore, it has been classified as a Variant of Uncertain Significance.